The following is an entry in ClinVar:

ClinVar aggregate classification (germline): Uncertain significance (1 of 4 stars; one submission).

Conditions:
Emery-Dreifuss muscular dystrophy 4, autosomal dominant (EDMD4). Also called: EMERY-DREIFUSS MUSCULAR DYSTROPHY 4 WITH VARIABLE FEATURES. Identifiers: Orphanet 261, MedGen C2751807, MONDO:0013071, OMIM 612998.
Autosomal recessive ataxia, Beauce type. Also called: Spinocerebellar ataxia, autosomal recessive 8; ATAXIA, RECESSIVE, OF BEAUCE; SYNE1-Related Autosomal Recessive Cerebellar Ataxia; SYNE1 Deficiency. Identifiers: Orphanet 88644, MedGen C1853116, MONDO:0012549, OMIM 610743.

Submission:

Labcorp Genetics (formerly Invitae), Labcorp
Classification: Uncertain significance for Emery-Dreifuss muscular dystrophy 4, autosomal dominant; Autosomal recessive ataxia, Beauce type. Last evaluated: 2024-12-09. Review status: criteria provided, single submitter. Criteria: Invitae Variant Classification Sherloc (09022015). Collection method: clinical testing. Allele origin: germline.
Comment: This sequence change replaces histidine, which is basic and polar, with tyrosine, which is neutral and polar, at codon 2082 of the SYNE1 protein (p.His2082Tyr). This variant is not present in population databases (gnomAD no frequency). This variant has not been reported in the literature in individuals affected with SYNE1-related conditions. An algorithm developed to predict the effect of missense changes on protein structure and function (PolyPhen-2) suggests that this variant is likely to be disruptive. In summary, the available evidence is currently insufficient to determine the role of this variant in disease. Therefore, it has been classified as a Variant of Uncertain Significance.

NM_182961.4(SYNE1):c.6223C>T (p.His2075Tyr)

Gene: SYNE1 (spectrin repeat containing nuclear envelope protein 1; minus strand). Cytogenetic location: 6q25.2.
Variant type: single nucleotide variant.
Coding change: c.6223C>T on transcript NM_182961.4 (MANE Select); coding-DNA position 6223, C replaced by T.
Protein change: p.His2075Tyr; replaces histidine 2075 with tyrosine.
Molecular consequence: missense variant.
Genome position (GRCh38, 1-based): chr6:152,413,359, G>A on the plus strand (C>T on the coding strand, the complement: SYNE1 is on the minus strand). VCF-style: chr6-152413359-G-A. GRCh37 (hg19) VCF-style: chr6-152734494-G-A.
Other names: c.6244C>T, p.His2082Tyr (NM_033071.5); short protein forms H2075Y, H2082Y.
Identifiers: ClinVar variation 3755825 (VCV003755825.2).
Genomic context (GRCh38, chr6:152,413,359, plus strand): 5'-GTCACATAATAAGTGGGAAGCTAAAAACAAGAACTGGGTGGGTTTTGACTTACTTTTCAT[G>A]AATTAGTCTTTTGGTATCATCCCAGGTGACCTCTAAGCGGTTTATCTCCCTGTCAACTTC-3'
Protein context (NP_892006.3, residues 2065-2085): VTWDDTKRLI[His2075Tyr]ENQGQCCGLI